The following is an entry in ClinVar:

NM_021927.3(GUF1):c.146A>G (p.Tyr49Cys)

Gene: GUF1 (GTP binding elongation factor GUF1; plus strand). Cytogenetic location: 4p12.
Variant type: single nucleotide variant.
Coding change: c.146A>G on transcript NM_021927.3 (MANE Select); coding-DNA position 146, A replaced by G.
Protein change: p.Tyr49Cys; replaces tyrosine 49 with cysteine.
Molecular consequence: missense variant. On other transcripts: 5 prime UTR variant (2).
Genome position (GRCh38, 1-based): chr4:44,678,768, A>G. VCF-style: chr4-44678768-A-G. GRCh37 (hg19) VCF-style: chr4-44680785-A-G.
Other names: c.-823A>G (NM_001345867.2); c.146A>G, p.Tyr49Cys (NM_001345868.2); c.-715A>G (NM_001345869.2); c.146A>G (NM_021927.2); short protein forms Y49C.
Identifiers: ClinVar variation 3665274 (VCV003665274.5).

ClinVar aggregate classification (germline): Uncertain significance. Review status: criteria provided, multiple submitters, no conflicts (2 of 4 stars). 3 submissions from 3 submitters: Uncertain significance (3). Last evaluated 2026-04-01.

gnomAD v4.1: 8 of 1,554,020 alleles (0.00051%); highest among the groups gnomAD compares: Non-Finnish European, 0.00069%; no homozygotes.

Submissions (3):

CeGaT Center for Human Genetics Tuebingen
Classification: Uncertain significance. Last evaluated: 2026-04-01. Review status: criteria provided, single submitter. Criteria: CeGaT Center For Human Genetics Tuebingen Variant Classification Criteria Version 2. Collection method: clinical testing. Allele origin: germline. Affected: yes. Observed: 1 variant allele.
Comment: GUF1: PM2, BP4

Ambry Genetics
Classification: Uncertain significance. Last evaluated: 2025-08-02. Review status: criteria provided, single submitter. Criteria: Ambry Variant Classification Scheme 2023. Collection method: clinical testing. Allele origin: germline.

Labcorp Genetics (formerly Invitae), Labcorp
Classification: Uncertain significance. Last evaluated: 2024-10-08. Review status: criteria provided, single submitter. Criteria: Invitae Variant Classification Sherloc (09022015). Collection method: clinical testing. Allele origin: germline.
Comment: This sequence change replaces tyrosine, which is neutral and polar, with cysteine, which is neutral and slightly polar, at codon 49 of the GUF1 protein (p.Tyr49Cys). The frequency data for this variant in the population databases is considered unreliable, as metrics indicate poor data quality at this position in the gnomAD database. This variant has not been reported in the literature in individuals affected with GUF1-related conditions. An algorithm developed to predict the effect of missense changes on protein structure and function outputs the following: PolyPhen-2: "Benign". The cysteine amino acid residue is found in multiple mammalian species, which suggests that this missense change does not adversely affect protein function. In summary, the available evidence is currently insufficient to determine the role of this variant in disease. Therefore, it has been classified as a Variant of Uncertain Significance.